The following is an entry in ClinVar:

NM_000432.4(MYL2):c.160G>A (p.Ala54Thr)

Gene: MYL2 (myosin light chain 2; minus strand). Cytogenetic location: 12q24.11.
Variant type: single nucleotide variant.
Coding change: c.160G>A on transcript NM_000432.4 (MANE Select); coding-DNA position 160, G replaced by A.
Protein change: p.Ala54Thr; replaces alanine 54 with threonine.
Molecular consequence: missense variant.
Genome position (GRCh38, 1-based): chr12:110,915,724, C>T on the plus strand (G>A on the coding strand, the complement: MYL2 is on the minus strand). VCF-style: chr12-110915724-C-T. GRCh37 (hg19) VCF-style: chr12-111353528-C-T.
Other names: c.103G>A, p.Ala35Thr (NM_001406916.1); short protein forms A35T, A54T.
Identifiers: ClinVar variation 2163541 (VCV002163541.5), dbSNP rs1171745073, ClinGen allele CA386699190.

ClinVar aggregate classification (germline): Uncertain significance. Review status: criteria provided, single submitter (1 of 4 stars). 2 submissions from 2 submitters: Uncertain significance (1). 1 of the submissions does not count toward it. Last evaluated 2022-02-19.

Conditions:
MYL2-related disorder. Also called: MYL2-related condition; MYL2-related disease; MYL2-related disorders.
Hypertrophic cardiomyopathy 10. Also called: CARDIOMYOPATHY, HYPERTROPHIC, MID-LEFT VENTRICULAR CHAMBER TYPE, 2; MYL2-Related Familial Hypertrophic Cardiomyopathy. Identifiers: MedGen C1834460, MONDO:0012112, OMIM 608758.

Allele frequency attached by ClinVar (database versions not stated): gnomAD 0.00001.
gnomAD v4.1: 1 of 1,614,002 alleles (0.000062%); highest among the groups gnomAD compares: African/African-American, 0.0013%; no homozygotes.

Submissions (2):

Labcorp Genetics (formerly Invitae), Labcorp
Classification: Uncertain significance for Hypertrophic cardiomyopathy 10. Last evaluated: 2022-02-19. Review status: criteria provided, single submitter. Criteria: Invitae Variant Classification Sherloc (09022015). Collection method: clinical testing. Allele origin: germline.
Comment: In summary, the available evidence is currently insufficient to determine the role of this variant in disease. Therefore, it has been classified as a Variant of Uncertain Significance. Algorithms developed to predict the effect of missense changes on protein structure and function are either unavailable or do not agree on the potential impact of this missense change (SIFT: "Tolerated"; PolyPhen-2: "Possibly Damaging"; Align-GVGD: "Class C0"). This variant has not been reported in the literature in individuals affected with MYL2-related conditions. This variant is not present in population databases (gnomAD no frequency). This sequence change replaces alanine, which is neutral and non-polar, with threonine, which is neutral and polar, at codon 54 of the MYL2 protein (p.Ala54Thr).

PreventionGenetics, part of Exact Sciences
Classification: Uncertain significance for MYL2-related condition. Last evaluated: 2024-07-05. Review status: no assertion criteria provided. Collection method: clinical testing. Allele origin: germline. Not counted in ClinVar's aggregate classification.
Comment: The MYL2 c.160G>A variant is predicted to result in the amino acid substitution p.Ala54Thr. To our knowledge, this variant has not been reported in the literature or in a large population database, indicating this variant is rare. At this time, the clinical significance of this variant is uncertain due to the absence of conclusive functional and genetic evidence.